The following is an entry in ClinVar:

ClinVar aggregate classification (germline): Uncertain significance (1 of 4 stars; one submission).

Conditions:
Progressive myoclonic epilepsy type 5. Identifiers: Orphanet 402082, MedGen C5190799.

Submission:

Labcorp Genetics (formerly Invitae), Labcorp
Classification: Uncertain significance for Progressive myoclonic epilepsy type 5. Last evaluated: 2022-09-27. Review status: criteria provided, single submitter. Criteria: Invitae Variant Classification Sherloc (09022015). Collection method: clinical testing. Allele origin: germline.
Comment: This sequence change replaces alanine, which is neutral and non-polar, with threonine, which is neutral and polar, at codon 756 of the PRICKLE2 protein (p.Ala756Thr). This variant is not present in population databases (gnomAD no frequency). This variant has not been reported in the literature in individuals affected with PRICKLE2-related conditions. Advanced modeling of protein sequence and biophysical properties (such as structural, functional, and spatial information, amino acid conservation, physicochemical variation, residue mobility, and thermodynamic stability) performed at Invitae indicates that this missense variant is not expected to disrupt PRICKLE2 protein function. In summary, the available evidence is currently insufficient to determine the role of this variant in disease. Therefore, it has been classified as a Variant of Uncertain Significance.

NM_198859.4(PRICKLE2):c.2266G>A (p.Ala756Thr)

Genes: PRICKLE2 (prickle planar cell polarity protein 2; minus strand), PRICKLE2-AS1 (PRICKLE2 antisense RNA 1; plus strand). Cytogenetic location: 3p14.1.
Variant type: single nucleotide variant.
Coding change: c.2266G>A on transcript NM_198859.4 (MANE Select); coding-DNA position 2266, G replaced by A.
Protein change: p.Ala756Thr; replaces alanine 756 with threonine.
Molecular consequence: missense variant. On other transcripts: non-coding transcript variant (1).
Genome position (GRCh38, 1-based): chr3:64,099,320, C>T on the plus strand (G>A on the coding strand, the complement: PRICKLE2 is on the minus strand). VCF-style: chr3-64099320-C-T. GRCh37 (hg19) VCF-style: chr3-64084996-C-T.
Other names: c.2266G>A, p.Ala756Thr (NM_001370528.1); short protein forms A756T.
Identifiers: ClinVar variation 2092296 (VCV002092296.4), dbSNP rs2471101016, ClinGen allele CA353426400.